The following is an entry in ClinVar:

NM_001287491.2(TET3):c.4876_4899del (p.Lys1626_Glu1633del)

Gene: TET3 (tet methylcytosine dioxygenase 3; plus strand). Cytogenetic location: 2p13.1.
Variant type: Deletion.
Coding change: c.4876_4899del on transcript NM_001287491.2 (MANE Select); coding-DNA positions 4876 to 4899, 24 bases deleted (AAGGGCGGTGGTGGTGCGGAGGAG).
Protein change: p.Lys1626_Glu1633del.
Molecular consequence: inframe deletion. On other transcripts: inframe indel (1).
Genome position (GRCh38, 1-based): chr2:74,101,664-74,101,687, AAGGGCGGTGGTGGTGCGGAGGAG deleted; deleting any 24 consecutive bases within chr2:74,101,657-74,101,687 gives the same sequence; the c. name uses the placement nearest the transcript's 3' end. VCF-style (leftmost placement, unchanged base first): chr2-74101656-AGGAGGAGAAGGGCGGTGGTGGTGC-A. GRCh37 (hg19) VCF-style: chr2-74328783-AGGAGGAGAAGGGCGGTGGTGGTGC-A.
Other names: c.4597_4620del, p.Lys1533_Glu1540del (NM_001366022.1); c.4471_4494del24, p.Lys1491_Glu1498del (NM_144993.1).
Identifiers: ClinVar variation 2354555 (VCV002354555.2), dbSNP rs766615972, ClinGen allele CA1719309.

ClinVar aggregate classification (germline): Uncertain significance (1 of 4 stars; one submission).

Conditions:
Inborn genetic diseases. Identifiers: MedGen C0950123, MeSH D030342.

Submission:

Ambry Genetics
Classification: Uncertain significance for Inborn genetic diseases. Last evaluated: 2022-04-29. Review status: criteria provided, single submitter. Criteria: Ambry Variant Classification Scheme 2023. Collection method: clinical testing. Allele origin: germline.
Comment: The c.4471_4494del24 (p.K1491_E1498del) alteration is located in exon 9 (coding exon 9) of the TET3 gene. This alteration consists of an in-frame deletion of 24 nucleotides between nucleotide positions c.4471 and c.4494, resulting in the deletion of 8 residues. Based on insufficient or conflicting evidence, the clinical significance of this alteration remains unclear.